The following is an entry in ClinVar:

ClinVar aggregate classification (germline): Uncertain significance (1 of 4 stars; one submission).

Submission:

Ambry Genetics
Classification: Uncertain significance. Last evaluated: 2024-10-29. Review status: criteria provided, single submitter. Criteria: Ambry Variant Classification Scheme 2023. Collection method: clinical testing. Allele origin: germline.
Comment: The p.K216Q variant (also known as c.646A>C), located in coding exon 1 of the EGLN1 gene, results from an A to C substitution at nucleotide position 646. The lysine at codon 216 is replaced by glutamine, an amino acid with similar properties. This amino acid position is conserved. In addition, this alteration is predicted to be tolerated by in silico analysis. Based on the available evidence, the clinical significance of this variant remains unclear.

NM_022051.3(EGLN1):c.646A>C (p.Lys216Gln)

Gene: EGLN1 (egl-9 family hypoxia inducible factor 1; minus strand). Cytogenetic location: 1q42.2.
Variant type: single nucleotide variant.
Coding change: c.646A>C on transcript NM_022051.3 (MANE Select); coding-DNA position 646, A replaced by C.
Protein change: p.Lys216Gln; replaces lysine 216 with glutamine.
Molecular consequence: missense variant.
Genome position (GRCh38, 1-based): chr1:231,421,243, T>G on the plus strand (A>C on the coding strand, the complement: EGLN1 is on the minus strand). VCF-style: chr1-231421243-T-G. GRCh37 (hg19) VCF-style: chr1-231556989-T-G.
Other names: c.646A>C, p.Lys216Gln (NM_001377260.1, NM_001377261.1); short protein forms K216Q.
Identifiers: ClinVar variation 3507239 (VCV003507239.1).